The following is an entry in ClinVar:

ClinVar aggregate classification (germline): Uncertain significance. Review status: criteria provided, multiple submitters, no conflicts (2 of 4 stars). 2 submissions from 2 submitters: Uncertain significance (2). Last evaluated 2025-06-30.

Conditions:
Familial thoracic aortic aneurysm and aortic dissection (TAAD). Also called: Thoracic aortic aneurysms and dissections. Identifiers: Orphanet 91387, MedGen C4707243, MONDO:0019625.
Ehlers-Danlos syndrome, type 4 (EDSVASC). Also called: Ehlers-Danlos Syndrome Type IV; Ehlers-Danlos syndrome vascular type; Ehlers Danlos syndrome, ecchymotic type; Ehlers Danlos syndrome, arterial type; Ehlers Danlos syndrome, Sack-Barabas type. Identifiers: Orphanet 286, MedGen C0268338, MONDO:0017314, OMIM 130050.

Allele frequency attached by ClinVar (database versions not stated): TOPMed below 0.00001.
gnomAD v4.1: 1 of 1,563,266 alleles (0.000064%); highest among the groups gnomAD compares: Non-Finnish European, 0.000087%; no homozygotes.

Submissions (2):

Color Diagnostics, LLC DBA Color Health
Classification: Uncertain significance for Familial thoracic aortic aneurysm and aortic dissection. Last evaluated: 2025-06-30. Review status: criteria provided, single submitter. Criteria: ACMG Guidelines, 2015. Collection method: clinical testing. Allele origin: germline.
Comment: This missense variant replaces proline with threonine at codon 371 of the COL3A1 protein. Computational prediction suggests that this variant may not impact protein structure and function. To our knowledge, functional studies have not been reported for this variant. This variant has not been reported in individuals affected with COL3A1-related disorders in the literature. This variant has not been identified in the general population by the Genome Aggregation Database (gnomAD). The available evidence is insufficient to determine the role of this variant in disease conclusively. Therefore, this variant is classified as a Variant of Uncertain Significance.

All of Us Research Program, National Institutes of Health
Classification: Uncertain significance for Ehlers-Danlos syndrome, type 4. Last evaluated: 2023-02-24. Review status: criteria provided, single submitter. Criteria: ACMG Guidelines, 2015. Collection method: clinical testing. Allele origin: germline. Inheritance: Autosomal dominant inheritance. Observed: 1 variant allele, 1 heterozygote.
Comment: This missense variant replaces proline with threonine at codon 371 of the COL3A1 protein. Computational prediction suggests that this variant may not impact protein structure and function (internally defined REVEL score threshold <= 0.5, PMID: 27666373). To our knowledge, functional studies have not been reported for this variant. This variant has not been reported in individuals affected with COL3A1-related disorders in the literature. This variant has not been identified in the general population by the Genome Aggregation Database (gnomAD). The available evidence is insufficient to determine the role of this variant in disease conclusively. Therefore, this variant is classified as a Variant of Uncertain Significance.

This study involves interpretation of variants in research participants for the purpose of population health screening. Participant phenotype was not available at the time of variant classification. Additional details can be found in publication PMID: 35346344, PMCID: PMC8962531

NM_000090.4(COL3A1):c.1111C>A (p.Pro371Thr)

Gene: COL3A1 (collagen type III alpha 1 chain; plus strand). Cytogenetic location: 2q32.2.
Variant type: single nucleotide variant.
Coding change: c.1111C>A on transcript NM_000090.4 (MANE Select); coding-DNA position 1111, C replaced by A.
Protein change: p.Pro371Thr; replaces proline 371 with threonine.
Molecular consequence: missense variant.
Genome position (GRCh38, 1-based): chr2:188,993,421, C>A. VCF-style: chr2-188993421-C-A. GRCh37 (hg19) VCF-style: chr2-189858147-C-A.
Other names: short protein forms P371T.
Identifiers: ClinVar variation 3069568 (VCV003069568.2), dbSNP rs1688230455, ClinGen allele CA349850969.
Genomic context (GRCh38, chr2:188,993,421, plus strand): 5'-GGTGAAGTTGGACCTGCAGGGTCTCCTGGTTCAAATGGTGCCCCTGGACAAAGAGGAGAA[C>A]CTGGACCTCAGGGACACGCTGGTGCTCAAGGTCCTCCTGTAAGTATCATAGTTGAGAGGG-3'
Protein context (NP_000081.2, residues 361-381): SNGAPGQRGE[Pro371Thr]GPQGHAGAQG